The following is an entry in ClinVar:

ClinVar aggregate classification (germline): Pathogenic (1 of 4 stars; one submission).

Submission:

Labcorp Genetics (formerly Invitae), Labcorp
Classification: Pathogenic. Last evaluated: 2024-01-25. Review status: criteria provided, single submitter. Criteria: Invitae Variant Classification Sherloc (09022015). Collection method: clinical testing. Allele origin: unknown.
Comment: A gross deletion of the genomic region encompassing the full coding sequence of the PRPF31 gene has been identified. Loss-of-function variants in PRPF31 are known to be pathogenic (PMID: 18317597, 23950152). The boundaries of this event are unknown as they extend beyond the assayed region for this gene and therefore may encompass additional genes. Isolated whole-gene deletions of PRPF31 have not been reported in the literature. However, larger copy number events that include this gene have been reported (PMID: 17003455). For these reasons, this variant has been classified as Pathogenic.

Literature cited by the submitters: PubMed 18317597; PubMed 23950152; PubMed 17003455.

NC_000019.9:g.(?_54621659)_(54659145_?)del

Genes: CNOT3 (CCR4-NOT transcription complex subunit 3; plus strand), PRPF31 (pre-mRNA processing factor 31; plus strand). Cytogenetic location: 19q13.42.
Variant type: Deletion.
Identifiers: ClinVar variation 3242695 (VCV003242695.1).